The following is an entry in ClinVar:

ClinVar aggregate classification (germline): Conflicting classifications of pathogenicity. Review status: criteria provided, conflicting classifications (1 of 4 stars). 4 submissions from 4 submitters: Uncertain significance (2); Likely benign (2). Last evaluated 2026-05-14.

Conditions:
ADGRV1-related disorder. Also called: ADGRV1-related disorders; ADGRV1-related condition.

Allele frequency attached by ClinVar (database versions not stated): gnomAD exomes 0.00005 and 0.00012; ExAC 0.00007; gnomAD 0.00007 and 0.00009; TOPMed 0.00013.
gnomAD v4.1: 85 of 1,613,624 alleles (0.0053%); highest among the groups gnomAD compares: Admixed American, 0.048%; no homozygotes.

Submissions (4):

PreventionGenetics, part of Exact Sciences
Classification: Uncertain significance for ADGRV1-related condition. Last evaluated: 2026-05-14. Review status: criteria provided, single submitter. Criteria: ACMG Guidelines, 2015. Collection method: clinical testing. Allele origin: germline.
Comment: The ADGRV1 c.15440A>G variant is predicted to result in the amino acid substitution p.Asp5147Gly. To our knowledge, this variant has not been reported in the literature. This variant is reported in 0.057% of alleles in individuals of Latino descent in gnomAD, which may be too frequent to be a primary cause of disease. Although we suspect that this variant may be benign, at this time, the clinical significance of this variant is uncertain due to the absence of conclusive functional and genetic evidence.

GeneDx
Classification: Uncertain significance. Last evaluated: 2026-01-20. Review status: criteria provided, single submitter. Criteria: GeneDx Variant Classification Process June 2021. Collection method: clinical testing. Allele origin: germline.
Comment: In silico analysis suggests that this missense variant does not alter protein structure/function; Has not been previously published as pathogenic or benign to our knowledge

Labcorp Genetics (formerly Invitae), Labcorp
Classification: Likely benign. Last evaluated: 2025-11-23. Review status: criteria provided, single submitter. Criteria: Invitae Variant Classification Sherloc (09022015). Collection method: clinical testing. Allele origin: germline.

Blueprint Genetics
Classification: Likely benign. Last evaluated: 2024-08-19. Review status: criteria provided, single submitter. Criteria: ACMG Guidelines, 2015. Collection method: clinical testing. Allele origin: germline.

NM_032119.4(ADGRV1):c.15440A>G (p.Asp5147Gly)

Gene: ADGRV1 (adhesion G protein-coupled receptor V1; plus strand). Cytogenetic location: 5q14.3.
Variant type: single nucleotide variant.
Coding change: c.15440A>G on transcript NM_032119.4 (MANE Select); coding-DNA position 15440, A replaced by G.
Protein change: p.Asp5147Gly; replaces aspartic acid 5147 with glycine.
Molecular consequence: missense variant. On other transcripts: non-coding transcript variant (1).
Genome position (GRCh38, 1-based): chr5:90,810,700, A>G. VCF-style: chr5-90810700-A-G. GRCh37 (hg19) VCF-style: chr5-90106517-A-G.
Other names: short protein forms D5147G.
Identifiers: ClinVar variation 934352 (VCV000934352.10), dbSNP rs766519183, ClinGen allele CA3341923.